The following is an entry in ClinVar:

NM_005560.6(LAMA5):c.6848G>A (p.Arg2283Gln)

Gene: LAMA5 (laminin subunit alpha 5; minus strand). Cytogenetic location: 20q13.33.
Variant type: single nucleotide variant.
Coding change: c.6848G>A on transcript NM_005560.6 (MANE Select); coding-DNA position 6848, G replaced by A.
Protein change: p.Arg2283Gln; replaces arginine 2283 with glutamine.
Molecular consequence: missense variant.
Genome position (GRCh38, 1-based): chr20:62,319,707, C>T on the plus strand (G>A on the coding strand, the complement: LAMA5 is on the minus strand). VCF-style: chr20-62319707-C-T. GRCh37 (hg19) VCF-style: chr20-60894763-C-T.
Other names: c.6848G>A (NM_005560.3); short protein forms R2283Q.
Identifiers: ClinVar variation 1904813 (VCV001904813.5), dbSNP rs145203663, ClinGen allele CA9941532.

ClinVar aggregate classification (germline): Conflicting classifications of pathogenicity. Review status: criteria provided, conflicting classifications (1 of 4 stars). 2 submissions from 2 submitters: Uncertain significance (1); Likely benign (1). Last evaluated 2025-11-18.

Conditions:
Inborn genetic diseases. Identifiers: MedGen C0950123, MeSH D030342.

Allele frequency attached by ClinVar (database versions not stated): ESP Exome Variant Server 0.00008; 1000 Genomes Project 30x 0.00016; 1000 Genomes Project 0.00020.
gnomAD v4.1: 148 of 1,545,462 alleles (0.0096%); highest among the groups gnomAD compares: African/African-American, 0.025%; no homozygotes.

Submissions (2):

Labcorp Genetics (formerly Invitae), Labcorp
Classification: Uncertain significance. Last evaluated: 2025-11-18. Review status: criteria provided, single submitter. Criteria: Invitae Variant Classification Sherloc (09022015). Collection method: clinical testing. Allele origin: germline.
Comment: This sequence change replaces arginine, which is basic and polar, with glutamine, which is neutral and polar, at codon 2283 of the LAMA5 protein (p.Arg2283Gln). This variant is present in population databases (rs145203663, gnomAD 0.06%). This variant has not been reported in the literature in individuals affected with LAMA5-related conditions. ClinVar contains an entry for this variant (Variation ID: 1904813). Invitae Evidence Modeling of protein sequence and biophysical properties (such as structural, functional, and spatial information, amino acid conservation, physicochemical variation, residue mobility, and thermodynamic stability) indicates that this missense variant is not expected to disrupt LAMA5 protein function with a negative predictive value of 80%. In summary, the available evidence is currently insufficient to determine the role of this variant in disease. Therefore, it has been classified as a Variant of Uncertain Significance.

Ambry Genetics
Classification: Likely benign for Inborn genetic diseases. Last evaluated: 2025-04-29. Review status: criteria provided, single submitter. Criteria: Ambry Variant Classification Scheme 2023. Collection method: clinical testing. Allele origin: germline.